The following is an entry in ClinVar:

NM_006084.5(IRF9):c.803C>T (p.Thr268Met)

Gene: IRF9 (interferon regulatory factor 9; plus strand). Cytogenetic location: 14q12.
Variant type: single nucleotide variant.
Coding change: c.803C>T on transcript NM_006084.5 (MANE Select); coding-DNA position 803, C replaced by T.
Protein change: p.Thr268Met; replaces threonine 268 with methionine.
Molecular consequence: missense variant. On other transcripts: intron variant (1).
Genome position (GRCh38, 1-based): chr14:24,164,767, C>T. VCF-style: chr14-24164767-C-T. GRCh37 (hg19) VCF-style: chr14-24633976-C-T.
Other names: c.830C>T, p.Thr277Met (NM_001385400.1, NM_001385401.1); c.650-110C>T (NM_001385402.1); short protein forms T268M, T277M.
Identifiers: ClinVar variation 1353232 (VCV001353232.6), dbSNP rs759450642, ClinGen allele CA7126559.

ClinVar aggregate classification (germline): Uncertain significance (1 of 4 stars; one submission).

Allele frequency attached by ClinVar (database versions not stated): TOPMed 0.00001; gnomAD exomes 0.00002; ExAC 0.00003.

Submission:

Labcorp Genetics (formerly Invitae), Labcorp
Classification: Uncertain significance. Last evaluated: 2025-12-02. Review status: criteria provided, single submitter. Criteria: Invitae Variant Classification Sherloc (09022015). Collection method: clinical testing. Allele origin: germline.
Comment: This sequence change replaces threonine, which is neutral and polar, with methionine, which is neutral and non-polar, at codon 268 of the IRF9 protein (p.Thr268Met). This variant is present in population databases (rs759450642, gnomAD 0.01%). This variant has not been reported in the literature in individuals affected with IRF9-related conditions. ClinVar contains an entry for this variant (Variation ID: 1353232). An algorithm developed to predict the effect of missense changes on protein structure and function (PolyPhen-2) suggests that this variant is likely to be disruptive. In summary, the available evidence is currently insufficient to determine the role of this variant in disease. Therefore, it has been classified as a Variant of Uncertain Significance.